The following is an entry in ClinVar:

ClinVar aggregate classification (germline): Benign/Likely benign. Review status: criteria provided, multiple submitters, no conflicts (2 of 4 stars). 9 submissions from 9 submitters: Benign (6); Likely benign (2). 1 of the submissions does not count toward it. Last evaluated 2026-09-01.

Conditions:
Autoinflammatory syndrome. Identifiers: Orphanet 93665, MedGen C3890737, MONDO:0019751.
Periodic fever-infantile enterocolitis-autoinflammatory syndrome. Also called: Autoinflammation with infantile enterocolitis. Identifiers: Orphanet 436166, MedGen C4015067, MONDO:0014472, OMIM 616050.
Familial cold autoinflammatory syndrome 4 (FCAS4). Identifiers: Orphanet 47045, Orphanet 576349, MedGen C4015276, MONDO:0014498, OMIM 616115.
NLRC4-related disorder. Also called: NLRC4-related condition.

Allele frequency attached by ClinVar (database versions not stated): 1000 Genomes Project 30x 0.00265; 1000 Genomes Project 0.00300; ExAC 0.00707; TOPMed 0.00750; gnomAD exomes 0.00754 and 0.01094; gnomAD 0.00771 and 0.00800; ESP Exome Variant Server 0.00915.
gnomAD v4.1: 16,406 of 1,550,250 alleles (1.1%); highest among the groups gnomAD compares: Non-Finnish European, 1.3%; 103 homozygotes.

Submissions (9):

CeGaT Center for Human Genetics Tuebingen
Classification: Benign. Last evaluated: 2026-09-01. Review status: criteria provided, single submitter. Criteria: CeGaT Center For Human Genetics Tuebingen Variant Classification Criteria Version 2. Collection method: clinical testing. Allele origin: germline. Affected: yes. Observed: 29 variant alleles.
Comment: NLRC4: BP4, BS1, BS2

Labcorp Genetics (formerly Invitae), Labcorp
Classification: Benign for Periodic fever-infantile enterocolitis-autoinflammatory syndrome; Familial cold autoinflammatory syndrome 4. Last evaluated: 2026-02-02. Review status: criteria provided, single submitter. Criteria: Invitae Variant Classification Sherloc (09022015). Collection method: clinical testing. Allele origin: germline.

Women's Health and Genetics/Laboratory Corporation of America, LabCorp
Classification: Likely benign. Last evaluated: 2026-01-22. Review status: criteria provided, single submitter. Criteria: LabCorp Variant Classification Summary - May 2015. Collection method: clinical testing. Allele origin: germline.

Blueprint Genetics
Classification: Likely benign. Last evaluated: 2024-11-24. Review status: criteria provided, single submitter. Criteria: ACMG Guidelines, 2015. Collection method: clinical testing. Allele origin: germline.

Genome Diagnostics Laboratory, The Hospital for Sick Children
Classification: Benign for Autoinflammatory syndrome. Last evaluated: 2022-03-11. Review status: criteria provided, single submitter. Criteria: ACMG Guidelines, 2015. Collection method: clinical testing. Allele origin: germline. Affected: yes.

Mayo Clinic Laboratories, Mayo Clinic
Classification: Benign. Last evaluated: 2021-12-22. Review status: criteria provided, single submitter. Criteria: ACMG Guidelines, 2015. Collection method: clinical testing. Allele origin: germline. Observed: 14 variant alleles.
Comment: BS1, BS2, BP4

Genetic Services Laboratory, University of Chicago
Classification: Benign. Last evaluated: 2021-11-10. Review status: criteria provided, single submitter. Criteria: ACMG Guidelines, 2015. Collection method: clinical testing. Allele origin: germline. Affected: no.

Breakthrough Genomics
Classification: Benign. Review status: criteria provided, single submitter. Criteria: ACMG Guidelines, 2015. Collection method: not provided. Allele origin: germline. Inheritance: Autosomal dominant inheritance. Affected: yes.

PreventionGenetics, part of Exact Sciences
Classification: Benign for NLRC4-related condition. Last evaluated: 2019-05-15. Review status: no assertion criteria provided. Collection method: clinical testing. Allele origin: germline. Not counted in ClinVar's aggregate classification.
Comment: This variant is classified as benign based on ACMG/AMP sequence variant interpretation guidelines (Richards et al. 2015 PMID: 25741868, with internal and published modifications).

NM_001199138.2(NLRC4):c.2785G>T (p.Ala929Ser)

Gene: NLRC4 (NLR family CARD domain containing 4; minus strand). Cytogenetic location: 2p22.3.
Variant type: single nucleotide variant.
Coding change: c.2785G>T on transcript NM_001199138.2 (MANE Select); coding-DNA position 2785, G replaced by T.
Protein change: p.Ala929Ser; replaces alanine 929 with serine.
Molecular consequence: missense variant.
Genome position (GRCh38, 1-based): chr2:32,224,763, C>A on the plus strand (G>T on the coding strand, the complement: NLRC4 is on the minus strand). VCF-style: chr2-32224763-C-A. GRCh37 (hg19) VCF-style: chr2-32449832-C-A.
Other names: p.Ala929Ser; c.2785G>T, p.Ala929Ser (NM_001199139.2, NM_021209.5); c.790G>T, p.Ala264Ser (NM_001302504.2); short protein forms A929S, A264S.
Identifiers: ClinVar variation 475254 (VCV000475254.52), dbSNP rs61754192, ClinGen allele CA1601670.